The following is an entry in ClinVar:

ClinVar aggregate classification (germline): Uncertain significance (1 of 4 stars; one submission).

Allele frequency attached by ClinVar (database versions not stated): TOPMed below 0.00001; gnomAD 0.00001.
gnomAD v4.1: 6 of 1,601,972 alleles (0.00037%); highest among the groups gnomAD compares: East Asian, 0.0022%; no homozygotes.

Submission:

Labcorp Genetics (formerly Invitae), Labcorp
Classification: Uncertain significance. Last evaluated: 2024-01-25. Review status: criteria provided, single submitter. Criteria: Invitae Variant Classification Sherloc (09022015). Collection method: clinical testing. Allele origin: germline.
Comment: This sequence change replaces arginine, which is basic and polar, with tryptophan, which is neutral and slightly polar, at codon 1642 of the CACNA1E protein (p.Arg1642Trp). This variant is not present in population databases (gnomAD no frequency). This variant has not been reported in the literature in individuals affected with CACNA1E-related conditions. Advanced modeling of protein sequence and biophysical properties (such as structural, functional, and spatial information, amino acid conservation, physicochemical variation, residue mobility, and thermodynamic stability) has been performed at Invitae for this missense variant, however the output from this modeling did not meet the statistical confidence thresholds required to predict the impact of this variant on CACNA1E protein function. In summary, the available evidence is currently insufficient to determine the role of this variant in disease. Therefore, it has been classified as a Variant of Uncertain Significance.

NM_001205293.3(CACNA1E):c.4924C>T (p.Arg1642Trp)

Gene: CACNA1E (calcium voltage-gated channel subunit alpha1 E; plus strand). Cytogenetic location: 1q25.3.
Variant type: single nucleotide variant.
Coding change: c.4924C>T on transcript NM_001205293.3 (MANE Select); coding-DNA position 4924, C replaced by T.
Protein change: p.Arg1642Trp; replaces arginine 1642 with tryptophan.
Molecular consequence: missense variant.
Genome position (GRCh38, 1-based): chr1:181,771,335, C>T. VCF-style: chr1-181771335-C-T. GRCh37 (hg19) VCF-style: chr1-181740471-C-T.
Other names: c.4924C>T, p.Arg1642Trp (NM_000721.4); c.4867C>T, p.Arg1623Trp (NM_001205294.2); short protein forms R1623W, R1642W.
Identifiers: ClinVar variation 2785670 (VCV002785670.3), dbSNP rs1294061346, ClinGen allele CA343627830.